The following is an entry in ClinVar:

NM_001003787.4(STRADA):c.964G>A (p.Gly322Ser)

Gene: STRADA (STE20 related adaptor alpha; minus strand). Cytogenetic location: 17q23.3.
Variant type: single nucleotide variant.
Coding change: c.964G>A on transcript NM_001003787.4 (MANE Select); coding-DNA position 964, G replaced by A.
Protein change: p.Gly322Ser; replaces glycine 322 with serine.
Molecular consequence: missense variant. On other transcripts: non-coding transcript variant (1).
Genome position (GRCh38, 1-based): chr17:63,704,477, C>T on the plus strand (G>A on the coding strand, the complement: STRADA is on the minus strand). VCF-style: chr17-63704477-C-T. GRCh37 (hg19) VCF-style: chr17-61781837-C-T.
Other names: c.853G>A, p.Gly285Ser (NM_001003786.3, NM_001363789.1, NM_153335.6); c.790G>A, p.Gly264Ser (NM_001003788.3, NM_001363790.1, NM_001363791.1); c.877G>A, p.Gly293Ser (NM_001165969.2, NM_001363787.1); c.832G>A, p.Gly278Ser (NM_001165970.2); c.940G>A, p.Gly314Ser (NM_001363786.1); c.964G>A, p.Gly322Ser (NM_001363788.1); c.*402G>A (NM_001411083.1, NM_001411084.1); c.*413G>A (NM_001411085.1); short protein forms G293S, G322S, G278S, G285S, G264S, G314S.
Identifiers: ClinVar variation 2105284 (VCV002105284.4), dbSNP rs1362851834, ClinGen allele CA400587902.
Genomic context (GRCh38, chr17:63,704,477, plus strand): 5'-GGGAGGGCGAGTCACCGTTGGAGGGCCGGGGGGTGCTGGTGGTCAGGCTGTCACTCAGGC[C>T]AGAGTTGGCCACTGAGCGCGAAGGGCTCATGGTCAGCTCCTCAGCGGGGATGGTGCTGGT-3'
Protein context (NP_001003787.1, residues 312-332): MSPSRSVANS[Gly322Ser]LSDSLTTSTP

ClinVar aggregate classification (germline): Uncertain significance (1 of 4 stars; one submission).

Conditions:
Polyhydramnios, megalencephaly, and symptomatic epilepsy (PMSE). Also called: PMSE SYNDROME. Identifiers: Orphanet 500533, MedGen C1970203, MONDO:0012611, OMIM 611087.

Allele frequency attached by ClinVar (database versions not stated): gnomAD 0.00001; TOPMed 0.00001; gnomAD exomes 0.00002.
gnomAD v4.1: 31 of 1,613,116 alleles (0.0019%); highest among the groups gnomAD compares: Non-Finnish European, 0.0025%; no homozygotes.

Submission:

Labcorp Genetics (formerly Invitae), Labcorp
Classification: Uncertain significance for Polyhydramnios, megalencephaly, and symptomatic epilepsy. Last evaluated: 2022-08-09. Review status: criteria provided, single submitter. Criteria: Invitae Variant Classification Sherloc (09022015). Collection method: clinical testing. Allele origin: germline.
Comment: In summary, the available evidence is currently insufficient to determine the role of this variant in disease. Therefore, it has been classified as a Variant of Uncertain Significance. Algorithms developed to predict the effect of missense changes on protein structure and function output the following: SIFT: "Tolerated"; PolyPhen-2: "Benign"; Align-GVGD: "Class C0". The serine amino acid residue is found in multiple mammalian species, which suggests that this missense change does not adversely affect protein function. This variant has not been reported in the literature in individuals affected with STRADA-related conditions. This variant is present in population databases (no rsID available, gnomAD 0.0009%). This sequence change replaces glycine, which is neutral and non-polar, with serine, which is neutral and polar, at codon 322 of the STRADA protein (p.Gly322Ser).